The following is an entry in ClinVar:

NM_000393.5(COL5A2):c.352C>A (p.Pro118Thr)

Gene: COL5A2 (collagen type V alpha 2 chain; minus strand). Cytogenetic location: 2q32.2.
Variant type: single nucleotide variant.
Coding change: c.352C>A on transcript NM_000393.5 (MANE Select); coding-DNA position 352, C replaced by A.
Protein change: p.Pro118Thr; replaces proline 118 with threonine.
Molecular consequence: missense variant.
Genome position (GRCh38, 1-based): chr2:189,100,124, G>T on the plus strand (C>A on the coding strand, the complement: COL5A2 is on the minus strand). VCF-style: chr2-189100124-G-T. GRCh37 (hg19) VCF-style: chr2-189964850-G-T.
Other names: short protein forms P118T.
Identifiers: ClinVar variation 3364829 (VCV003364829.1).

ClinVar aggregate classification (germline): Uncertain significance (1 of 4 stars; one submission).

Submission:

GeneDx
Classification: Uncertain significance. Last evaluated: 2023-11-22. Review status: criteria provided, single submitter. Criteria: GeneDx Variant Classification Process June 2021. Collection method: clinical testing. Allele origin: germline. Affected: yes.
Comment: Not observed at significant frequency in large population cohorts (gnomAD); In silico analysis supports that this missense variant does not alter protein structure/function; Has not been previously published as pathogenic or benign to our knowledge; Not located in the triple helical region, where the majority of pathogenic missense variants occur (PMID: 22696272; HGMD); This variant is associated with the following publications: (PMID: 32872534, 22696272)